The following is an entry in ClinVar:

ClinVar aggregate classification (germline): Conflicting classifications of pathogenicity. Review status: criteria provided, conflicting classifications (1 of 4 stars). 2 submissions from 2 submitters: Uncertain significance (1); Likely benign (1). Last evaluated 2025-09-29.

Conditions:
FN1-related disorder. Also called: FN1-related condition.

Allele frequency attached by ClinVar (database versions not stated): 1000 Genomes Project 30x 0.00016; TOPMed 0.00030; gnomAD exomes 0.00033 and 0.00042; gnomAD 0.00034; ExAC 0.00040; ESP Exome Variant Server 0.00054.
gnomAD v4.1: 652 of 1,614,044 alleles (0.04%); highest among the groups gnomAD compares: Middle Eastern, 0.066%; 1 homozygote.

Submissions (2):

Labcorp Genetics (formerly Invitae), Labcorp
Classification: Likely benign. Last evaluated: 2025-09-29. Review status: criteria provided, single submitter. Criteria: Invitae Variant Classification Sherloc (09022015). Collection method: clinical testing. Allele origin: germline.

PreventionGenetics, part of Exact Sciences
Classification: Uncertain significance for FN1-related condition. Last evaluated: 2023-08-08. Review status: criteria provided, single submitter. Criteria: ACMG Guidelines, 2015. Collection method: clinical testing. Allele origin: germline.
Comment: The FN1 c.6047C>T variant is predicted to result in the amino acid substitution p.Pro2016Leu. To our knowledge, this variant has not been reported in the literature. This variant is reported in 0.053% of alleles in individuals of European (Non-Finnish) descent in gnomAD. Although we suspect that this variant may be benign, at this time, the clinical significance of this variant is uncertain due to the absence of conclusive functional and genetic evidence.

NM_212482.4(FN1):c.6047C>T (p.Pro2016Leu)

Gene: FN1 (fibronectin 1; minus strand). Cytogenetic location: 2q35.
Variant type: single nucleotide variant.
Coding change: c.6047C>T on transcript NM_212482.4 (MANE Select); coding-DNA position 6047, C replaced by T.
Protein change: p.Pro2016Leu; replaces proline 2016 with leucine.
Molecular consequence: missense variant.
Genome position (GRCh38, 1-based): chr2:215,375,324, G>A on the plus strand (C>T on the coding strand, the complement: FN1 is on the minus strand). VCF-style: chr2-215375324-G-A. GRCh37 (hg19) VCF-style: chr2-216240047-G-A.
Other names: c.6047C>T, p.Pro2016Leu (NM_001306129.2); c.5777C>T, p.Pro1926Leu (NM_001306130.2, NM_001365517.2, NM_001365519.2 and 2 more transcripts); c.5504C>T, p.Pro1835Leu (NM_001306131.2, NM_001306132.2, NM_001365523.2 and 2 more transcripts); c.5774C>T, p.Pro1925Leu (NM_001365518.2, NM_001365520.2, NM_001365524.2 and 2 more transcripts); c.6047C>T (NM_212482.2); short protein forms P1835L, P1926L, P2016L, P1925L.
Identifiers: ClinVar variation 1432814 (VCV001432814.6), dbSNP rs139452116, ClinGen allele CA2093959.